The following is an entry in ClinVar:

ClinVar aggregate classification (germline): Conflicting classifications of pathogenicity. Review status: criteria provided, conflicting classifications (1 of 4 stars). 3 submissions from 3 submitters: Likely pathogenic (2); Uncertain significance (1). Last evaluated 2024-05-22.

Conditions:
ABCA4-related disorder. Also called: ABCA4-related condition; ABCA4-related disorders. Identifiers: MedGen CN239167.

Submissions (3):

Labcorp Genetics (formerly Invitae), Labcorp
Classification: Uncertain significance. Last evaluated: 2024-05-22. Review status: criteria provided, single submitter. Criteria: Invitae Variant Classification Sherloc (09022015). Collection method: clinical testing. Allele origin: germline.
Comment: This sequence change falls in intron 40 of the ABCA4 gene. It does not directly change the encoded amino acid sequence of the ABCA4 protein. It affects a nucleotide within the consensus splice site. This variant is not present in population databases (gnomAD no frequency). This variant has been observed in individual(s) with ABCA4-related conditions (Invitae). ClinVar contains an entry for this variant (Variation ID: 432057). Variants that disrupt the consensus splice site are a relatively common cause of aberrant splicing (PMID: 17576681, 9536098). Algorithms developed to predict the effect of sequence changes on RNA splicing suggest that this variant may disrupt the consensus splice site. This variant disrupts the c.5714+5G nucleotide in the ABCA4 gene. Other variant(s) that disrupt this nucleotide have been determined to be pathogenic (PMID: 9466990, 10413692, 19074458). This suggests that this nucleotide is clinically significant, and that variants that disrupt this position are likely to be disease-causing. In summary, the available evidence is currently insufficient to determine the role of this variant in disease. Therefore, it has been classified as a Variant of Uncertain Significance.

Blueprint Genetics
Classification: Likely pathogenic for ABCA4-related disorders. Last evaluated: 2022-03-23. Review status: criteria provided, single submitter. Criteria: ACMG Guidelines, 2015. Collection method: clinical testing. Allele origin: germline. Affected: yes. Observed: 1 variant allele.

GeneDx
Classification: Likely pathogenic. Last evaluated: 2016-01-26. Review status: criteria provided, single submitter. Criteria: GeneDx Variant Classification (06012015). Collection method: clinical testing. Allele origin: germline. Affected: yes.
Comment: The c.5714+5 G>T variant has not been published as a pathogenic variant, nor has it been reported as a benign variant to our knowledge. The c.5714+5 G>T variant was not observed in approximately 6,500 individuals of European and African American ancestry in the NHLBI Exome Sequencing Project, indicating it is not a common benign variant in these populations. Several in-silico splice prediction models predict that c.5714+5 G>T either destroys or damages the natural donor site and lead to abnormal gene splicing. However, in the absence of RNA/functional studies, the actual effect of this sequence change in this individual is unknown. Therefore, based on the currently available information, it is unclear whether this variant is a pathogenic variant or a rare benign variant.

Literature cited by the submitters: PubMed 17576681 (cited by Labcorp Genetics (formerly Invitae), Labcorp); PubMed 9536098 (cited by Labcorp Genetics (formerly Invitae), Labcorp); PubMed 9466990 (cited by Labcorp Genetics (formerly Invitae), Labcorp); PubMed 10413692 (cited by Labcorp Genetics (formerly Invitae), Labcorp); PubMed 19074458 (cited by Labcorp Genetics (formerly Invitae), Labcorp).

NM_000350.3(ABCA4):c.5714+5G>T

Gene: ABCA4 (ATP binding cassette subfamily A member 4; minus strand). Cytogenetic location: 1p22.1.
Variant type: single nucleotide variant.
Coding change: c.5714+5G>T on transcript NM_000350.3 (MANE Select); 5 bases into the intron after coding-DNA position 5714, G replaced by T.
Molecular consequence: intron variant.
Genome position (GRCh38, 1-based): chr1:94,010,795, C>A on the plus strand (G>T on the coding strand, the complement: ABCA4 is on the minus strand). VCF-style: chr1-94010795-C-A. GRCh37 (hg19) VCF-style: chr1-94476351-C-A.
Identifiers: ClinVar variation 432057 (VCV000432057.8), dbSNP rs61751407, ClinGen allele CA645372343.
Genomic context (GRCh38, chr1:94,010,795, plus strand): 5'-GGGTATAAGGTCCAGTTCTGGATGCCCTGAGCTGCCCACTGGCCCAGGGTGTGGCATGGA[C>A]GTACCATTGGGAGAGGAAGAAGTGGCGCTGGACCAGCAGGGTCAGGAGGAAGTACACCAC-3'